The following is an entry in ClinVar:

ClinVar aggregate classification (germline): Benign/Likely benign. Review status: criteria provided, multiple submitters, no conflicts (2 of 4 stars). 5 submissions from 5 submitters: Benign (1); Likely benign (4). Last evaluated 2025-04-14.

Conditions:
Cardiovascular phenotype. Identifiers: MedGen CN230736.
Dilated cardiomyopathy 1O (CMD1O). Also called: CARDIOMYOPATHY, DILATED, WITH VENTRICULAR TACHYCARDIA. Identifiers: Orphanet 154, MedGen C1837839, MONDO:0012062, OMIM 608569.

Allele frequency attached by ClinVar (database versions not stated): gnomAD 0.00001 and 0.00003; gnomAD exomes 0.00003 and 0.00008; TOPMed 0.00005; ExAC 0.00012; 1000 Genomes Project 30x 0.00016; 1000 Genomes Project 0.00020.
gnomAD v4.1: 57 of 1,614,040 alleles (0.0035%); highest among the groups gnomAD compares: East Asian, 0.078%; no homozygotes.

Submissions (5):

Women's Health and Genetics/Laboratory Corporation of America, LabCorp
Classification: Benign. Last evaluated: 2025-04-14. Review status: criteria provided, single submitter. Criteria: LabCorp Variant Classification Summary - May 2015. Collection method: clinical testing. Allele origin: germline.

Labcorp Genetics (formerly Invitae), Labcorp
Classification: Likely benign for Dilated cardiomyopathy 1O. Last evaluated: 2024-10-24. Review status: criteria provided, single submitter. Criteria: Invitae Variant Classification Sherloc (09022015). Collection method: clinical testing. Allele origin: germline.

Blueprint Genetics
Classification: Likely benign. Last evaluated: 2023-08-09. Review status: criteria provided, single submitter. Criteria: ACMG Guidelines, 2015. Collection method: clinical testing. Allele origin: germline.

GeneDx
Classification: Likely benign. Last evaluated: 2018-04-30. Review status: criteria provided, single submitter. Criteria: GeneDx Variant Classification (06012015). Collection method: clinical testing. Allele origin: germline. Affected: yes.
Comment: This variant is considered likely benign or benign based on one or more of the following criteria: it is a conservative change, it occurs at a poorly conserved position in the protein, it is predicted to be benign by multiple in silico algorithms, and/or has population frequency not consistent with disease.

Ambry Genetics
Classification: Likely benign for Cardiovascular phenotype. Last evaluated: 2017-12-22. Review status: criteria provided, single submitter. Criteria: Ambry Variant Classification Scheme 2023. Collection method: clinical testing. Allele origin: germline.

NM_020297.4(ABCC9):c.4389T>C (p.Phe1463=)

Genes: ABCC9 (ATP binding cassette subfamily C member 9; minus strand), KCNJ8-AS1 (KCNJ8 antisense RNA 1; plus strand). Cytogenetic location: 12p12.1.
Variant type: single nucleotide variant.
Coding change: c.4389T>C on transcript NM_020297.4 (MANE Select); coding-DNA position 4389, T replaced by C.
Protein change: p.Phe1463=; no amino-acid change (phenylalanine 1463 retained).
Molecular consequence: synonymous variant.
Genome position (GRCh38, 1-based): chr12:21,807,406, A>G on the plus strand (T>C on the coding strand, the complement: ABCC9 is on the minus strand). VCF-style: chr12-21807406-A-G. GRCh37 (hg19) VCF-style: chr12-21960340-A-G.
Other names: c.4389T>C, p.Phe1463= (NM_001377273.1, NM_005691.4); c.3522T>C, p.Phe1174= (NM_001377274.1).
Identifiers: ClinVar variation 676414 (VCV000676414.15), dbSNP rs530506599, ClinGen allele CA6480870.